The following is an entry in ClinVar:

NM_006996.3(SLC19A2):c.511G>C (p.Val171Leu)

Gene: SLC19A2 (solute carrier family 19 member 2; minus strand). Cytogenetic location: 1q24.2.
Variant type: single nucleotide variant.
Coding change: c.511G>C on transcript NM_006996.3 (MANE Select); coding-DNA position 511, G replaced by C.
Protein change: p.Val171Leu; replaces valine 171 with leucine.
Molecular consequence: missense variant. On other transcripts: intron variant (1).
Genome position (GRCh38, 1-based): chr1:169,477,451, C>G on the plus strand (G>C on the coding strand, the complement: SLC19A2 is on the minus strand). VCF-style: chr1-169477451-C-G. GRCh37 (hg19) VCF-style: chr1-169446689-C-G.
Other names: c.205-7265G>C (NM_001319667.1); short protein forms V171L.
Identifiers: ClinVar variation 4766016 (VCV004766016.1).

ClinVar aggregate classification (germline): Uncertain significance (1 of 4 stars; one submission).

Submission:

Labcorp Genetics (formerly Invitae), Labcorp
Classification: Uncertain significance. Last evaluated: 2025-11-01. Review status: criteria provided, single submitter. Criteria: Invitae Variant Classification Sherloc (09022015). Collection method: clinical testing. Allele origin: germline.
Comment: This sequence change replaces valine, which is neutral and non-polar, with leucine, which is neutral and non-polar, at codon 171 of the SLC19A2 protein (p.Val171Leu). This variant is not present in population databases (gnomAD no frequency). This variant has not been reported in the literature in individuals affected with SLC19A2-related conditions. Invitae Evidence Modeling of protein sequence and biophysical properties (such as structural, functional, and spatial information, amino acid conservation, physicochemical variation, residue mobility, and thermodynamic stability) has been performed for this missense variant. However, the output from this modeling did not meet the statistical confidence thresholds required to predict the impact of this variant on SLC19A2 protein function. In summary, the available evidence is currently insufficient to determine the role of this variant in disease. Therefore, it has been classified as a Variant of Uncertain Significance.